The following is an entry in ClinVar:

ClinVar aggregate classification (germline): Uncertain significance. Review status: criteria provided, multiple submitters, no conflicts (2 of 4 stars). 2 submissions from 2 submitters: Uncertain significance (2). Last evaluated 2024-02-22.

Conditions:
Hereditary cancer-predisposing syndrome. Also called: Neoplastic Syndromes, Hereditary; Tumor predisposition; Hereditary Cancer Syndrome; Hereditary neoplastic syndrome. Identifiers: Orphanet 140162, MedGen C0027672, MeSH D009386, MONDO:0015356.

Allele frequency attached by ClinVar (database versions not stated): gnomAD exomes below 0.00001.

Submissions (2):

Ambry Genetics
Classification: Uncertain significance for Hereditary cancer-predisposing syndrome. Last evaluated: 2024-02-22. Review status: criteria provided, single submitter. Criteria: Ambry Variant Classification Scheme 2023. Collection method: clinical testing. Allele origin: germline.
Comment: The p.S2768N variant (also known as c.8303G>A), located in coding exon 15 of the APC gene, results from a G to A substitution at nucleotide position 8303. The serine at codon 2768 is replaced by asparagine, an amino acid with highly similar properties. This amino acid position is conserved. In addition, in silico predictors for this gene do not accurately predict pathogenicity. Based on the available evidence, the clinical significance of this alteration remains unclear.

Color Diagnostics, LLC DBA Color Health
Classification: Uncertain significance for Hereditary cancer-predisposing syndrome. Last evaluated: 2023-12-04. Review status: criteria provided, single submitter. Criteria: ACMG Guidelines, 2015. Collection method: clinical testing. Allele origin: germline.
Comment: This missense variant replaces serine with asparagine at codon 2768 of the APC protein. Computational prediction suggests that this variant may not impact protein structure and function (internally defined REVEL score threshold <= 0.5, PMID: 27666373). To our knowledge, functional studies have not been reported for this variant. This variant has not been reported in individuals affected with APC-related disorders in the literature. This variant has been identified in 1/250994 chromosomes in the general population by the Genome Aggregation Database (gnomAD). The available evidence is insufficient to determine the role of this variant in disease conclusively. Therefore, this variant is classified as a Variant of Uncertain Significance.

NM_000038.6(APC):c.8303G>A (p.Ser2768Asn)

Gene: APC (APC regulator of Wnt signaling pathway; plus strand). Cytogenetic location: 5q22.2.
Variant type: single nucleotide variant.
Coding change: c.8303G>A on transcript NM_000038.6 (MANE Select); coding-DNA position 8303, G replaced by A.
Protein change: p.Ser2768Asn; replaces serine 2768 with asparagine.
Molecular consequence: missense variant.
Genome position (GRCh38, 1-based): chr5:112,843,897, G>A. VCF-style: chr5-112843897-G-A. GRCh37 (hg19) VCF-style: chr5-112179594-G-A.
Other names: c.8303G>A, p.Ser2768Asn (NM_001127510.3, NM_001354895.2); c.8249G>A, p.Ser2750Asn (NM_001127511.3); c.8357G>A, p.Ser2786Asn (NM_001354896.2); c.8333G>A, p.Ser2778Asn (NM_001354897.2); c.8228G>A, p.Ser2743Asn (NM_001354898.2); c.8219G>A, p.Ser2740Asn (NM_001354899.2); c.8180G>A, p.Ser2727Asn (NM_001354900.2); c.8126G>A, p.Ser2709Asn (NM_001354901.2); and 5 more; short protein forms S2608N, S2642N, S2709N, S2743N, S2768N, S2485N, S2667N, S2677N.
Identifiers: ClinVar variation 922504 (VCV000922504.5), dbSNP rs1230662110, ClinGen allele CA16039347.